The following is an entry in ClinVar:

ClinVar aggregate classification (germline): Uncertain significance (1 of 4 stars; one submission).

Submission:

GeneDx
Classification: Uncertain significance. Last evaluated: 2023-04-14. Review status: criteria provided, single submitter. Criteria: GeneDx Variant Classification Process June 2021. Collection method: clinical testing. Allele origin: germline. Affected: yes.
Comment: Not observed at significant frequency in large population cohorts (gnomAD); In silico analysis supports that this missense variant has a deleterious effect on protein structure/function; Has not been previously published as pathogenic or benign to our knowledge

NM_020922.5(WNK3):c.2369T>C (p.Val790Ala)

Gene: WNK3 (WNK lysine deficient protein kinase 3; minus strand). Cytogenetic location: Xp11.22.
Variant type: single nucleotide variant.
Coding change: c.2369T>C on transcript NM_020922.5 (MANE Select); coding-DNA position 2369, T replaced by C.
Protein change: p.Val790Ala; replaces valine 790 with alanine.
Molecular consequence: missense variant.
Genome position (GRCh38, 1-based): chrX:54,251,686, A>G on the plus strand (T>C on the coding strand, the complement: WNK3 is on the minus strand). VCF-style: chrX-54251686-A-G. GRCh37 (hg19) VCF-style: chrX-54278119-A-G.
Other names: c.2369T>C, p.Val790Ala (NM_001002838.4, NM_001395166.1); short protein forms V790A.
Identifiers: ClinVar variation 2662484 (VCV002662484.1), dbSNP rs2520700484, ClinGen allele CA413355510.
Genomic context (GRCh38, chrX:54,251,686, plus strand): 5'-ATAGCTCTCAATTCTTCTACAAATTTTTCTTTCTCACTTTCCAGCACAAAGTTATCTTCA[A>G]CCTGCCCAAAAGTAAGTCTATTCATGAGAATGAATTCAGTTTCTTCAAAGTTATAATATT-3'
Protein context (NP_065973.2, residues 780-800): DAPEDIADYM[Val790Ala]EDNFVLESEK